The following is an entry in ClinVar:

NM_001292063.2(OTOG):c.1700G>A (p.Arg567Gln)

Gene: OTOG (otogelin; plus strand). Cytogenetic location: 11p15.1.
Variant type: single nucleotide variant.
Coding change: c.1700G>A on transcript NM_001292063.2 (MANE Select); coding-DNA position 1700, G replaced by A.
Protein change: p.Arg567Gln; replaces arginine 567 with glutamine.
Molecular consequence: missense variant.
Genome position (GRCh38, 1-based): chr11:17,569,211, G>A. VCF-style: chr11-17569211-G-A. GRCh37 (hg19) VCF-style: chr11-17590758-G-A.
Other names: c.1736G>A, p.Arg579Gln (NM_001277269.2); short protein forms R567Q, R579Q.
Identifiers: ClinVar variation 1203908 (VCV001203908.11), dbSNP rs142253169, ClinGen allele CA5905523.

ClinVar aggregate classification (germline): Conflicting classifications of pathogenicity. Review status: criteria provided, conflicting classifications (1 of 4 stars). 4 submissions from 4 submitters: Uncertain significance (2); Likely benign (1). 1 of the submissions does not count toward it. Last evaluated 2025-09-17.

Conditions:
OTOG-related disorder. Also called: OTOG-related condition.

Allele frequency attached by ClinVar (database versions not stated): ExAC 0.00018; 1000 Genomes Project 30x 0.00031; 1000 Genomes Project 0.00040; gnomAD 0.00054; TOPMed 0.00057.
gnomAD v4.1: 160 of 1,550,582 alleles (0.01%); highest among the groups gnomAD compares: African/African-American, 0.15%; 1 homozygote.

Submissions (4):

Labcorp Genetics (formerly Invitae), Labcorp
Classification: Likely benign. Last evaluated: 2025-09-17. Review status: criteria provided, single submitter. Criteria: Invitae Variant Classification Sherloc (09022015). Collection method: clinical testing. Allele origin: germline.

Blueprint Genetics
Classification: Uncertain significance. Last evaluated: 2024-07-18. Review status: criteria provided, single submitter. Criteria: ACMG Guidelines, 2015. Collection method: clinical testing. Allele origin: germline.

GeneDx
Classification: Uncertain significance. Last evaluated: 2020-11-27. Review status: criteria provided, single submitter. Criteria: GeneDx Variant Classification Process June 2021. Collection method: clinical testing. Allele origin: germline. Affected: yes.
Comment: In silico analysis, which includes protein predictors and evolutionary conservation, supports that this variant does not alter protein structure/function; Has not been previously published as pathogenic or benign to our knowledge; Observed together withvariant L814Q, and in some cases also with variantV1450=; in individuals with hearing loss tested at GeneDx; and was determined to be on the same allele (in cis) asL814Q in one of these cases

PreventionGenetics, part of Exact Sciences
Classification: Likely benign for OTOG-related condition. Last evaluated: 2022-09-24. Review status: no assertion criteria provided. Collection method: clinical testing. Allele origin: germline. Not counted in ClinVar's aggregate classification.
Comment: This variant is classified as likely benign based on ACMG/AMP sequence variant interpretation guidelines (Richards et al. 2015 PMID: 25741868, with internal and published modifications).